The following is an entry in ClinVar:

ClinVar aggregate classification (germline): Uncertain significance. Review status: criteria provided, multiple submitters, no conflicts (2 of 4 stars). 2 submissions from 2 submitters: Uncertain significance (2). Last evaluated 2026-08-01.

Submissions (2):

CeGaT Center for Human Genetics Tuebingen
Classification: Uncertain significance. Last evaluated: 2026-08-01. Review status: criteria provided, single submitter. Criteria: CeGaT Center For Human Genetics Tuebingen Variant Classification Criteria Version 2. Collection method: clinical testing. Allele origin: germline. Affected: yes. Observed: 1 variant allele.
Comment: SLC12A6: PM2, PP3

GeneDx
Classification: Uncertain significance. Last evaluated: 2023-12-02. Review status: criteria provided, single submitter. Criteria: GeneDx Variant Classification Process June 2021. Collection method: clinical testing. Allele origin: germline. Affected: yes.
Comment: Not observed at significant frequency in large population cohorts (gnomAD); In silico analysis supports a deleterious effect on splicing; Has not been previously published as pathogenic or benign to our knowledge

NM_001365088.1(SLC12A6):c.745+4A>G

Gene: SLC12A6 (solute carrier family 12 member 6; minus strand). Cytogenetic location: 15q14.
Variant type: single nucleotide variant.
Coding change: c.745+4A>G on transcript NM_001365088.1 (MANE Select); 4 bases into the intron after coding-DNA position 745, A replaced by G.
Molecular consequence: intron variant.
Genome position (GRCh38, 1-based): chr15:34,256,225, T>C on the plus strand (A>G on the coding strand, the complement: SLC12A6 is on the minus strand). VCF-style: chr15-34256225-T-C. GRCh37 (hg19) VCF-style: chr15-34548426-T-C.
Other names: c.568+4A>G (NM_001042495.2, NM_001042494.2); c.718+4A>G (NM_001042496.2); c.700+4A>G (NM_001042497.2); c.745+4A>G (NM_133647.2); c.592+4A>G (NM_005135.2).
Identifiers: ClinVar variation 3365207 (VCV003365207.2).